The following is an entry in ClinVar:

NM_000091.5(COL4A3):c.1667C>G (p.Pro556Arg)

Genes: COL4A3 (collagen type IV alpha 3 chain; plus strand), MFF-DT (MFF divergent transcript; minus strand). Cytogenetic location: 2q36.3.
Variant type: single nucleotide variant.
Coding change: c.1667C>G on transcript NM_000091.5 (MANE Select); coding-DNA position 1667, C replaced by G.
Protein change: p.Pro556Arg; replaces proline 556 with arginine.
Molecular consequence: missense variant.
Genome position (GRCh38, 1-based): chr2:227,270,861, C>G. VCF-style: chr2-227270861-C-G. GRCh37 (hg19) VCF-style: chr2-228135577-C-G.
Other names: short protein forms P556R.
Identifiers: ClinVar variation 2041500 (VCV002041500.4), dbSNP rs768989338, ClinGen allele CA350871787.

ClinVar aggregate classification (germline): Uncertain significance (1 of 4 stars; one submission).

gnomAD v4.1: 2 of 1,614,082 alleles (0.00012%); highest among the groups gnomAD compares: Non-Finnish European, 0.00017%; no homozygotes.

Submission:

Labcorp Genetics (formerly Invitae), Labcorp
Classification: Uncertain significance. Last evaluated: 2021-12-13. Review status: criteria provided, single submitter. Criteria: Invitae Variant Classification Sherloc (09022015). Collection method: clinical testing. Allele origin: germline.
Comment: In summary, the available evidence is currently insufficient to determine the role of this variant in disease. Therefore, it has been classified as a Variant of Uncertain Significance. Advanced modeling of protein sequence and biophysical properties (such as structural, functional, and spatial information, amino acid conservation, physicochemical variation, residue mobility, and thermodynamic stability) performed at Invitae indicates that this missense variant is not expected to disrupt COL4A3 protein function. This variant has not been reported in the literature in individuals affected with COL4A3-related conditions. This variant is not present in population databases (gnomAD no frequency). This sequence change replaces proline, which is neutral and non-polar, with arginine, which is basic and polar, at codon 556 of the COL4A3 protein (p.Pro556Arg).